The following is an entry in ClinVar:

ClinVar aggregate classification (germline): Uncertain significance (1 of 4 stars; one submission).

Submission:

Ambry Genetics
Classification: Uncertain significance. Last evaluated: 2024-10-05. Review status: criteria provided, single submitter. Criteria: Ambry Variant Classification Scheme 2023. Collection method: clinical testing. Allele origin: germline.
Comment: The p.G132E variant (also known as c.395G>A), located in coding exon 1 of the TERF2IP gene, results from a G to A substitution at nucleotide position 395. The glycine at codon 132 is replaced by glutamic acid, an amino acid with similar properties. This amino acid position is conserved. In addition, this alteration is predicted to be tolerated by in silico analysis. Based on the available evidence, the clinical significance of this variant remains unclear.

NM_018975.4(TERF2IP):c.395G>A (p.Gly132Glu)

Gene: TERF2IP (TERF2 interacting protein; plus strand). Cytogenetic location: 16q23.1.
Variant type: single nucleotide variant.
Coding change: c.395G>A on transcript NM_018975.4 (MANE Select); coding-DNA position 395, G replaced by A.
Protein change: p.Gly132Glu; replaces glycine 132 with glutamic acid.
Molecular consequence: missense variant. On other transcripts: non-coding transcript variant (1).
Genome position (GRCh38, 1-based): chr16:75,648,277, G>A. VCF-style: chr16-75648277-G-A. GRCh37 (hg19) VCF-style: chr16-75682175-G-A.
Other names: short protein forms G132E.
Identifiers: ClinVar variation 3455118 (VCV003455118.1).